The following is an entry in ClinVar:

ClinVar aggregate classification (germline): Uncertain significance. Review status: criteria provided, multiple submitters, no conflicts (2 of 4 stars). 2 submissions from 2 submitters: Uncertain significance (2). Last evaluated 2024-03-18.

Conditions:
Familial adenomatous polyposis 1 (FAP1). Also called: FAMILIAL ADENOMATOUS POLYPOSIS 1, ATTENUATED; POLYPOSIS, ADENOMATOUS INTESTINAL. Identifiers: MedGen C2713442, MONDO:0021056, OMIM 175100. Disease mechanism: loss of function.

Submissions (2):

Labcorp Genetics (formerly Invitae), Labcorp
Classification: Uncertain significance for Familial adenomatous polyposis 1. Last evaluated: 2024-03-18. Review status: criteria provided, single submitter. Criteria: Invitae Variant Classification Sherloc (09022015). Collection method: clinical testing. Allele origin: germline.
Comment: This sequence change replaces asparagine, which is neutral and polar, with aspartic acid, which is acidic and polar, at codon 2510 of the APC protein (p.Asn2510Asp). This variant is not present in population databases (gnomAD no frequency). This variant has not been reported in the literature in individuals affected with APC-related conditions. ClinVar contains an entry for this variant (Variation ID: 181822). Advanced modeling of protein sequence and biophysical properties (such as structural, functional, and spatial information, amino acid conservation, physicochemical variation, residue mobility, and thermodynamic stability) performed at Invitae indicates that this missense variant is not expected to disrupt APC protein function with a negative predictive value of 95%. In summary, the available evidence is currently insufficient to determine the role of this variant in disease. Therefore, it has been classified as a Variant of Uncertain Significance.

GeneDx
Classification: Uncertain significance. Last evaluated: 2014-05-23. Review status: criteria provided, single submitter. Criteria: GeneDx Variant Classification (06012015). Collection method: clinical testing. Allele origin: germline. Affected: yes.
Comment: This variant is denoted APC c.7528A>G at the cDNA level, p.Asn2510Asp (N2510D) at the protein level, and results in the change of an Asparagine to an Aspartic Acid (AAT>GAT). This variant has not, to our knowledge, been published in the literature as pathogenic or benign. APC Asn2510Asp was not observed in approximately 6,500 individuals of European and African American ancestry in the NHLBI Exome Sequencing Project, indicating it is not a common benign variant in these populations. Since Asparagine and Aspartic Acid differ in some properties, this is considered a semi-conservative amino acid substitution. APC Asn2510Asp occurs at a position that is highly conserved through mammals and is not located in a known functional domain. In addition, in silico analyses are inconsistent regarding the effect this variant may have on protein structure and function. Based on currently available information, it is unclear whether APC Asn2510Asp is pathogenic or benign. We consider it to be a variant of uncertain significance.

NM_000038.6(APC):c.7528A>G (p.Asn2510Asp)

Gene: APC (APC regulator of Wnt signaling pathway; plus strand). Cytogenetic location: 5q22.2.
Variant type: single nucleotide variant.
Coding change: c.7528A>G on transcript NM_000038.6 (MANE Select); coding-DNA position 7528, A replaced by G.
Protein change: p.Asn2510Asp; replaces asparagine 2510 with aspartic acid.
Molecular consequence: missense variant.
Genome position (GRCh38, 1-based): chr5:112,843,122, A>G. VCF-style: chr5-112843122-A-G. GRCh37 (hg19) VCF-style: chr5-112178819-A-G.
Other names: p.N2510D:AAT>GAT; c.7528A>G, p.Asn2510Asp (NM_001127510.3, NM_001354895.2); c.7474A>G, p.Asn2492Asp (NM_001127511.3); c.7582A>G, p.Asn2528Asp (NM_001354896.2); c.7558A>G, p.Asn2520Asp (NM_001354897.2); c.7453A>G, p.Asn2485Asp (NM_001354898.2); c.7444A>G, p.Asn2482Asp (NM_001354899.2); c.7405A>G, p.Asn2469Asp (NM_001354900.2); and 6 more; short protein forms N2492D, N2510D, N2409D, N2469D, N2482D, N2528D, N2227D, N2384D.
Identifiers: ClinVar variation 181822 (VCV000181822.9), dbSNP rs730881263, ClinGen allele CA013762.